The following is an entry in ClinVar:

NM_001382430.1(AKT1):c.828+5G>C

Gene: AKT1 (AKT serine/threonine kinase 1; minus strand). Cytogenetic location: 14q32.33.
Variant type: single nucleotide variant.
Coding change: c.828+5G>C on transcript NM_001382430.1 (MANE Select); 5 bases into the intron after coding-DNA position 828, G replaced by C.
Molecular consequence: intron variant.
Genome position (GRCh38, 1-based): chr14:104,773,450, C>G on the plus strand (G>C on the coding strand, the complement: AKT1 is on the minus strand). VCF-style: chr14-104773450-C-G. GRCh37 (hg19) VCF-style: chr14-105239787-C-G.
Other names: c.828+5G>C (NM_001382432.1, NM_005163.2, NM_001014431.2 and 3 more transcripts).
Identifiers: ClinVar variation 640517 (VCV000640517.8), dbSNP rs1199214347, ClinGen allele CA915946435.

ClinVar aggregate classification (germline): Uncertain significance (1 of 4 stars; one submission).

Conditions:
Cowden syndrome 6 (CWS6). Identifiers: Orphanet 201, MedGen C3554519, MONDO:0014048, OMIM 615109.

Submission:

Labcorp Genetics (formerly Invitae), Labcorp
Classification: Uncertain significance for Cowden syndrome 6. Last evaluated: 2019-03-13. Review status: criteria provided, single submitter. Criteria: Invitae Variant Classification Sherloc (09022015). Collection method: clinical testing. Allele origin: germline.
Comment: This variant is not present in population databases (ExAC no frequency). This sequence change falls in intron 9 of the AKT1 gene. It does not directly change the encoded amino acid sequence of the AKT1 protein, but it affects a nucleotide within the consensus splice site of the intron. This variant has not been reported in the literature in individuals with AKT1-related disease. In summary, the available evidence is currently insufficient to determine the role of this variant in disease. Therefore, it has been classified as a Variant of Uncertain Significance. Nucleotide substitutions within the consensus splice site are a relatively common cause of aberrant splicing (PMID: 17576681, 9536098). Algorithms developed to predict the effect of sequence changes on RNA splicing suggest that this variant may disrupt the consensus splice site, but this prediction has not been confirmed by published transcriptional studies.

Literature cited by the submitters: PubMed 17576681; PubMed 9536098.